The following is an entry in ClinVar:

ClinVar aggregate classification (germline): Uncertain significance (1 of 4 stars; one submission).

Conditions:
Developmental and epileptic encephalopathy, 25 (DEE25). Also called: Epileptic encephalopathy, early infantile, 25; Developmental and epileptic encephalopathy 25, with amelogenesis imperfecta; Epileptic encephalopathy, early infantile, 25, with amelogenesis imperfecta. Identifiers: Orphanet 442835, MedGen C4014621, MONDO:0014392, OMIM 615905.

Submission:

Labcorp Genetics (formerly Invitae), Labcorp
Classification: Uncertain significance for Developmental and epileptic encephalopathy, 25. Last evaluated: 2022-08-31. Review status: criteria provided, single submitter. Criteria: Invitae Variant Classification Sherloc (09022015). Collection method: clinical testing. Allele origin: germline.
Comment: This sequence change replaces phenylalanine, which is neutral and non-polar, with leucine, which is neutral and non-polar, at codon 128 of the SLC13A5 protein (p.Phe128Leu). ClinVar contains an entry for this variant (Variation ID: 1501356). This variant has not been reported in the literature in individuals affected with SLC13A5-related conditions. This variant is not present in population databases (gnomAD no frequency). In summary, the available evidence is currently insufficient to determine the role of this variant in disease. Therefore, it has been classified as a Variant of Uncertain Significance. Algorithms developed to predict the effect of missense changes on protein structure and function are either unavailable or do not agree on the potential impact of this missense change (SIFT: "Tolerated"; PolyPhen-2: "Possibly Damaging"; Align-GVGD: "Class C0").

NM_177550.5(SLC13A5):c.382T>C (p.Phe128Leu)

Gene: SLC13A5 (solute carrier family 13 member 5; minus strand). Cytogenetic location: 17p13.1.
Variant type: single nucleotide variant.
Coding change: c.382T>C on transcript NM_177550.5 (MANE Select); coding-DNA position 382, T replaced by C.
Protein change: p.Phe128Leu; replaces phenylalanine 128 with leucine.
Molecular consequence: missense variant. On other transcripts: intron variant (1).
Genome position (GRCh38, 1-based): chr17:6,704,043, A>G on the plus strand (T>C on the coding strand, the complement: SLC13A5 is on the minus strand). VCF-style: chr17-6704043-A-G. GRCh37 (hg19) VCF-style: chr17-6607362-A-G.
Other names: c.382T>C, p.Phe128Leu (NM_001143838.3); c.253T>C, p.Phe85Leu (NM_001284510.2); c.369-38T>C (NM_001284509.2); short protein forms F128L, F85L.
Identifiers: ClinVar variation 1501356 (VCV001501356.6), dbSNP rs771925824, ClinGen allele CA397750253.